The following is an entry in ClinVar:

ClinVar aggregate classification (germline): Uncertain significance. Review status: criteria provided, multiple submitters, no conflicts (2 of 4 stars). 2 submissions from 2 submitters: Uncertain significance (2). Last evaluated 2025-01-15.

Conditions:
Hereditary cancer-predisposing syndrome. Also called: Tumor predisposition; Neoplastic Syndromes, Hereditary; Hereditary Cancer Syndrome; Hereditary neoplastic syndrome. Identifiers: Orphanet 140162, MedGen C0027672, MeSH D009386, MONDO:0015356.
Ataxia-telangiectasia syndrome (AT). Also called: Ataxia-telangiectasia; Ataxia-telangiectasia, complementation group D; AT, COMPLEMENTATION GROUP C; LOUIS-BAR SYNDROME; Cerebello-oculocutaneous telangiectasia; Immunodeficiency with ataxia telangiectasia. Identifiers: Orphanet 100, MedGen C0004135, MONDO:0008840, OMIM 208900.

Submissions (2):

Labcorp Genetics (formerly Invitae), Labcorp
Classification: Uncertain significance for Ataxia-telangiectasia syndrome. Last evaluated: 2025-01-15. Review status: criteria provided, single submitter. Criteria: Invitae Variant Classification Sherloc (09022015). Collection method: clinical testing. Allele origin: germline.
Comment: This sequence change replaces isoleucine, which is neutral and non-polar, with asparagine, which is neutral and polar, at codon 258 of the ATM protein (p.Ile258Asn). This variant is not present in population databases (gnomAD no frequency). This variant has not been reported in the literature in individuals affected with ATM-related conditions. ClinVar contains an entry for this variant (Variation ID: 490707). Invitae Evidence Modeling of protein sequence and biophysical properties (such as structural, functional, and spatial information, amino acid conservation, physicochemical variation, residue mobility, and thermodynamic stability) indicates that this missense variant is not expected to disrupt ATM protein function with a negative predictive value of 95%. In summary, the available evidence is currently insufficient to determine the role of this variant in disease. Therefore, it has been classified as a Variant of Uncertain Significance.

Color Diagnostics, LLC DBA Color Health
Classification: Uncertain significance for Hereditary cancer-predisposing syndrome. Last evaluated: 2023-12-05. Review status: criteria provided, single submitter. Criteria: ACMG Guidelines, 2015. Collection method: clinical testing. Allele origin: germline.
Comment: This missense variant replaces isoleucine with asparagine at codon 258 of the ATM protein. Computational prediction suggests that this variant may not impact protein structure and function (internally defined REVEL score threshold <= 0.5, PMID: 27666373). To our knowledge, functional studies have not been reported for this variant. This variant has not been reported in individuals affected with ATM-related disorders in the literature. This variant has not been identified in the general population by the Genome Aggregation Database (gnomAD). The available evidence is insufficient to determine the role of this variant in disease conclusively. Therefore, this variant is classified as a Variant of Uncertain Significance.

NM_000051.4(ATM):c.773T>A (p.Ile258Asn)

Gene: ATM (ATM serine/threonine kinase; plus strand). Cytogenetic location: 11q22.3.
Variant type: single nucleotide variant.
Coding change: c.773T>A on transcript NM_000051.4 (MANE Select); coding-DNA position 773, T replaced by A.
Protein change: p.Ile258Asn; replaces isoleucine 258 with asparagine.
Molecular consequence: missense variant.
Genome position (GRCh38, 1-based): chr11:108,244,898, T>A. VCF-style: chr11-108244898-T-A. GRCh37 (hg19) VCF-style: chr11-108115625-T-A.
Other names: c.773T>A, p.Ile258Asn (NM_001351834.2); short protein forms I258N.
Identifiers: ClinVar variation 490707 (VCV000490707.8), dbSNP rs730881337, ClinGen allele CA382529319.